The following is an entry in ClinVar:

NM_014484.5(MOCS3):c.58G>A (p.Glu20Lys)

Gene: MOCS3 (molybdenum cofactor synthesis 3; plus strand). Cytogenetic location: 20q13.13.
Variant type: single nucleotide variant.
Coding change: c.58G>A on transcript NM_014484.5 (MANE Select); coding-DNA position 58, G replaced by A.
Protein change: p.Glu20Lys; replaces glutamic acid 20 with lysine.
Molecular consequence: missense variant.
Genome position (GRCh38, 1-based): chr20:50,958,900, G>A. VCF-style: chr20-50958900-G-A. GRCh37 (hg19) VCF-style: chr20-49575437-G-A.
Other names: short protein forms E20K.
Identifiers: ClinVar variation 1497183 (VCV001497183.8), dbSNP rs559424254, ClinGen allele CA9909341.
Genomic context (GRCh38, chr20:50,958,900, plus strand): 5'-GCCATGGCTTCCCGGGAGGAGGTACTCGCCTTACAAGCTGAAGTTGCCCAACGTGAGGAG[G>A]AATTGAATTCGCTGAAGCAGAAGCTGGCGTCGGCTCTTTTGGCTGAGCAGGAACCGCAGC-3'
Protein context (NP_055299.1, residues 10-30): LQAEVAQREE[Glu20Lys]LNSLKQKLAS

ClinVar aggregate classification (germline): Uncertain significance (1 of 4 stars; one submission).

Allele frequency attached by ClinVar (database versions not stated): gnomAD 0.00001; TOPMed 0.00001; gnomAD exomes 0.00006; ExAC 0.00008.

Submission:

Labcorp Genetics (formerly Invitae), Labcorp
Classification: Uncertain significance. Last evaluated: 2022-04-12. Review status: criteria provided, single submitter. Criteria: Invitae Variant Classification Sherloc (09022015). Collection method: clinical testing. Allele origin: germline.
Comment: This variant has not been reported in the literature in individuals affected with MOCS3-related conditions. In summary, the available evidence is currently insufficient to determine the role of this variant in disease. Therefore, it has been classified as a Variant of Uncertain Significance. Algorithms developed to predict the effect of missense changes on protein structure and function are either unavailable or do not agree on the potential impact of this missense change (SIFT: "Tolerated"; PolyPhen-2: "Possibly Damaging"; Align-GVGD: "Class C0"). This variant is present in population databases (rs559424254, gnomAD 0.05%). This sequence change replaces glutamic acid, which is acidic and polar, with lysine, which is basic and polar, at codon 20 of the MOCS3 protein (p.Glu20Lys).